The following is an entry in ClinVar:

NM_138927.4(SON):c.1116G>A (p.Leu372=)

Gene: SON (SON DNA and RNA binding protein; plus strand). Cytogenetic location: 21q22.11.
Variant type: single nucleotide variant.
Coding change: c.1116G>A on transcript NM_138927.4 (MANE Select); coding-DNA position 1116, G replaced by A.
Protein change: p.Leu372=; no amino-acid change (leucine 372 retained).
Molecular consequence: synonymous variant. On other transcripts: non-coding transcript variant (1), intron variant (1).
Genome position (GRCh38, 1-based): chr21:33,550,347, G>A. VCF-style: chr21-33550347-G-A. GRCh37 (hg19) VCF-style: chr21-34922653-G-A.
Other names: c.1116G>A, p.Leu372= (NM_001291411.2, NM_032195.3); c.244+3968G>A (NM_001291412.3).
Identifiers: ClinVar variation 1584919 (VCV001584919.10), dbSNP rs147192315, ClinGen allele CA10008820.

ClinVar aggregate classification (germline): Likely benign. Review status: criteria provided, multiple submitters, no conflicts (2 of 4 stars). 2 submissions from 2 submitters: Likely benign (2). Last evaluated 2026-06-01.

Allele frequency attached by ClinVar (database versions not stated): gnomAD exomes 0.00001 and 0.00002; ExAC 0.00004; TOPMed 0.00007; gnomAD 0.00008 and 0.00009; ESP Exome Variant Server 0.00023; 1000 Genomes Project 30x 0.00031; 1000 Genomes Project 0.00040.
gnomAD v4.1: 22 of 1,614,164 alleles (0.0014%); highest among the groups gnomAD compares: African/African-American, 0.024%; no homozygotes.

Submissions (2):

CeGaT Center for Human Genetics Tuebingen
Classification: Likely benign. Last evaluated: 2026-06-01. Review status: criteria provided, single submitter. Criteria: CeGaT Center For Human Genetics Tuebingen Variant Classification Criteria Version 2. Collection method: clinical testing. Allele origin: germline. Affected: yes. Observed: 1 variant allele.
Comment: SON: BP4

Labcorp Genetics (formerly Invitae), Labcorp
Classification: Likely benign. Last evaluated: 2024-11-10. Review status: criteria provided, single submitter. Criteria: Invitae Variant Classification Sherloc (09022015). Collection method: clinical testing. Allele origin: germline.